The following is an entry in ClinVar:

NM_002971.6(SATB1):c.122G>C (p.Gly41Ala)

Gene: SATB1 (SATB homeobox 1; minus strand). Cytogenetic location: 3p24.3.
Variant type: single nucleotide variant.
Coding change: c.122G>C on transcript NM_002971.6 (MANE Select); coding-DNA position 122, G replaced by C.
Protein change: p.Gly41Ala; replaces glycine 41 with alanine.
Molecular consequence: missense variant. On other transcripts: intron variant (1).
Genome position (GRCh38, 1-based): chr3:18,420,846, C>G on the plus strand (G>C on the coding strand, the complement: SATB1 is on the minus strand). VCF-style: chr3-18420846-C-G. GRCh37 (hg19) VCF-style: chr3-18462338-C-G.
Other names: c.122G>C, p.Gly41Ala (NM_001131010.4, NM_001195470.3, NM_001322871.2 and 4 more transcripts); c.-5-3768G>C (NM_001322876.2); short protein forms G41A.
Identifiers: ClinVar variation 4534889 (VCV004534889.6).
Genomic context (GRCh38, chr3:18,420,846, plus strand): 5'-CCCGAGTGTTTTAAAGGCACTCCCTGCATTTTTGCACCTGTACTCCCAAGCCTTCCTCTT[C>G]CTAGCGGGCTCCCGTTCTGCTCCAGGCGGGCAATCTTGGCTGGTGGACCCTTCGGATCAC-3'
Protein context (NP_002962.1, residues 31-51): ARLEQNGSPL[Gly41Ala]RGRLGSTGAK

ClinVar aggregate classification (germline): Uncertain significance (1 of 4 stars; one submission).

Submission:

CeGaT Center for Human Genetics Tuebingen
Classification: Uncertain significance. Last evaluated: 2025-10-01. Review status: criteria provided, single submitter. Criteria: CeGaT Center For Human Genetics Tuebingen Variant Classification Criteria Version 2. Collection method: clinical testing. Allele origin: germline. Affected: yes. Observed: 1 variant allele.
Comment: SATB1: PM2